The following is an entry in ClinVar:

ClinVar aggregate classification (germline): Pathogenic (1 of 4 stars; one submission).

Conditions:
Neurofibromatosis, type 1 (NF1). Also called: VON RECKLINGHAUSEN DISEASE; Peripheral type neurofibromatosis; NEUROFIBROMATOSIS, TYPE I, SOMATIC; Neurofibromatosis, type I. Identifiers: Orphanet 636, MedGen C0027831, MONDO:0018975, OMIM 162200. Disease mechanism: loss of function.

Submission:

Labcorp Genetics (formerly Invitae), Labcorp
Classification: Pathogenic for Neurofibromatosis, type 1. Last evaluated: 2020-02-06. Review status: criteria provided, single submitter. Criteria: Invitae Variant Classification Sherloc (09022015). Collection method: clinical testing. Allele origin: germline.
Comment: For these reasons, this variant has been classified as Pathogenic. Loss-of-function variants in NF1 are known to be pathogenic (PMID: 10712197, 23913538). This variant has not been reported in the literature in individuals with NF1-related conditions. This variant is not present in population databases (ExAC no frequency). This sequence change creates a premature translational stop signal (p.Gly1382Valfs*21) in the NF1 gene. It is expected to result in an absent or disrupted protein product.

Literature cited by the submitters: PubMed 10712197; PubMed 23913538.

NM_001042492.3(NF1):c.4208_4220del (p.Gly1403fs)

Gene: NF1 (neurofibromin 1; plus strand). Cytogenetic location: 17q11.2.
Variant type: Deletion.
Coding change: c.4208_4220del on transcript NM_001042492.3 (MANE Select); coding-DNA positions 4208 to 4220, 13 bases deleted (GTGCAGTAGGAAG).
Protein change: p.Gly1403fs; shifts the reading frame from glycine 1403.
Molecular consequence: frameshift variant.
Genome position (GRCh38, 1-based): chr17:31,258,378-31,258,390, GTGCAGTAGGAAG deleted; deleting any 13 consecutive bases within chr17:31,258,377-31,258,390 gives the same sequence; the c. name uses the placement nearest the transcript's 3' end. VCF-style (leftmost placement, unchanged base first): chr17-31258376-CGGTGCAGTAGGAA-C. GRCh37 (hg19) VCF-style: chr17-29585394-CGGTGCAGTAGGAA-C.
Other names: c.4145_4157delGTGCAGTAGGAAG, p.Gly1382Valfs (NM_000267.4); short protein forms G1382fs, G1403fs.
Identifiers: ClinVar variation 1070331 (VCV001070331.5), dbSNP rs2151461869, ClinGen allele CA2499224126.